The following is an entry in ClinVar:

ClinVar aggregate classification (germline): Conflicting classifications of pathogenicity. Review status: criteria provided, conflicting classifications (1 of 4 stars). 3 submissions from 3 submitters: Uncertain significance (2); Likely benign (1). Last evaluated 2025-03-21.

Allele frequency attached by ClinVar (database versions not stated): gnomAD exomes 0.00002 and 0.00005; ExAC 0.00004; gnomAD 0.00017; 1000 Genomes Project 0.00020; TOPMed 0.00035; 1000 Genomes Project 30x 0.00047.
gnomAD v4.1: 56 of 1,613,934 alleles (0.0035%); highest among the groups gnomAD compares: Admixed American, 0.07%; no homozygotes.

Submissions (3):

GeneDx
Classification: Uncertain significance. Last evaluated: 2025-03-21. Review status: criteria provided, single submitter. Criteria: GeneDx Variant Classification Process June 2021. Collection method: clinical testing. Allele origin: germline. Affected: yes.
Comment: In silico analysis indicates that this missense variant does not alter protein structure/function; Has not been previously published as pathogenic or benign to our knowledge

Labcorp Genetics (formerly Invitae), Labcorp
Classification: Uncertain significance. Last evaluated: 2024-11-05. Review status: criteria provided, single submitter. Criteria: Invitae Variant Classification Sherloc (09022015). Collection method: clinical testing. Allele origin: germline.
Comment: This sequence change replaces serine, which is neutral and polar, with glycine, which is neutral and non-polar, at codon 137 of the TRIOBP protein (p.Ser137Gly). This variant is present in population databases (rs201008196, gnomAD 0.03%). This variant has not been reported in the literature in individuals affected with TRIOBP-related conditions. ClinVar contains an entry for this variant (Variation ID: 228029). An algorithm developed to predict the effect of missense changes on protein structure and function outputs the following: PolyPhen-2: "Benign". The glycine amino acid residue is found in multiple mammalian species, which suggests that this missense change does not adversely affect protein function. In summary, the available evidence is currently insufficient to determine the role of this variant in disease. Therefore, it has been classified as a Variant of Uncertain Significance.

Laboratory for Molecular Medicine, Mass General Brigham Personalized Medicine
Classification: Likely benign. Last evaluated: 2015-05-14. Review status: criteria provided, single submitter. Criteria: LMM Criteria. Collection method: clinical testing. Allele origin: germline. Observed: 1 variant allele.
Comment: p.Ser137Gly in exon 5 of TRIOBP: This variant is not expected to have clinical s ignificance due to a lack of conservation across species, including mammals. Of note, seven mammals (naked mole-rat, guinea pig, chinchilla, brush-tailed rat, horse, shrew, and cape elephant shrew) have a glycine (Gly) at this position des pite high nearby amino acid sequence conservation. In addition, computational p rediction tools do not suggest a high likelihood of impact to the protein. It ha s been identified in 1/66594 European chromosomes by the Exome Aggregation Conso rtium (ExAC; dbSNP rs201008196).

NM_001039141.3(TRIOBP):c.409A>G (p.Ser137Gly)

Gene: TRIOBP (TRIO and F-actin binding protein; plus strand). Cytogenetic location: 22q13.1.
Variant type: single nucleotide variant.
Coding change: c.409A>G on transcript NM_001039141.3 (MANE Select); coding-DNA position 409, A replaced by G.
Protein change: p.Ser137Gly; replaces serine 137 with glycine.
Molecular consequence: missense variant.
Genome position (GRCh38, 1-based): chr22:37,713,364, A>G. VCF-style: chr22-37713364-A-G. GRCh37 (hg19) VCF-style: chr22-38109371-A-G.
Other names: short protein forms S137G.
Identifiers: ClinVar variation 228029 (VCV000228029.11), dbSNP rs201008196, ClinGen allele CA10223331.
Genomic context (GRCh38, chr22:37,713,364, plus strand): 5'-GGCCTGACCACTTCCTTGTGTGGCAGCTGCAACGAGGACCCCGGCTCTGACCCCACCTCC[A>G]GCCCTGACTCCGCCACCCCTGATGATACCAGCAACTCGTCCTCTGTGGTGAGCCAGGAGT-3'
Protein context (NP_001034230.1, residues 127-147): NEDPGSDPTS[Ser137Gly]PDSATPDDTS